The following is an entry in ClinVar:

NM_021072.4(HCN1):c.2530C>T (p.Gln844Ter)

Gene: HCN1 (hyperpolarization activated cyclic nucleotide gated potassium channel 1; minus strand). Cytogenetic location: 5p12.
Variant type: single nucleotide variant.
Coding change: c.2530C>T on transcript NM_021072.4 (MANE Select); coding-DNA position 2530, C replaced by T.
Protein change: p.Gln844Ter; replaces glutamine 844 with a stop codon.
Molecular consequence: nonsense.
Genome position (GRCh38, 1-based): chr5:45,262,064, G>A on the plus strand (C>T on the coding strand, the complement: HCN1 is on the minus strand). VCF-style: chr5-45262064-G-A. GRCh37 (hg19) VCF-style: chr5-45262166-G-A.
Other names: short protein forms Q844*.
Identifiers: ClinVar variation 4765363 (VCV004765363.1).

ClinVar aggregate classification (germline): Uncertain significance (1 of 4 stars; one submission).

Conditions:
Early-infantile DEE. Also called: Early infantile epileptic encephalopathy with suppression bursts; Early infantile epileptic encephalopathy; Ohtahara syndrome. Identifiers: Orphanet 1934, MedGen C0393706, MONDO:0800491.

Submission:

Labcorp Genetics (formerly Invitae), Labcorp
Classification: Uncertain significance for Early-infantile DEE. Last evaluated: 2025-05-05. Review status: criteria provided, single submitter. Criteria: Invitae Variant Classification Sherloc (09022015). Collection method: clinical testing. Allele origin: germline.
Comment: This sequence change creates a premature translational stop signal (p.Gln844*) in the HCN1 gene. While this is not anticipated to result in nonsense mediated decay, it is expected to disrupt the last 47 amino acid(s) of the HCN1 protein. This variant is not present in population databases (gnomAD no frequency). This variant has not been reported in the literature in individuals affected with HCN1-related conditions. Experimental studies and prediction algorithms are not available or were not evaluated, and the functional significance of this variant is currently unknown. In summary, the available evidence is currently insufficient to determine the role of this variant in disease. Therefore, it has been classified as a Variant of Uncertain Significance.